The following is an entry in ClinVar:

ClinVar aggregate classification (germline): Conflicting classifications of pathogenicity. Review status: criteria provided, conflicting classifications (1 of 4 stars). 3 submissions from 3 submitters: Uncertain significance (2); Likely benign (1). Last evaluated 2025-08-20.

Conditions:
Hereditary cancer-predisposing syndrome. Also called: Tumor predisposition; Neoplastic Syndromes, Hereditary; Hereditary neoplastic syndrome; Hereditary Cancer Syndrome. Identifiers: Orphanet 140162, MedGen C0027672, MeSH D009386, MONDO:0015356.

Submissions (3):

Ambry Genetics
Classification: Uncertain significance for Hereditary cancer-predisposing syndrome. Last evaluated: 2025-08-20. Review status: criteria provided, single submitter. Criteria: Ambry Variant Classification Scheme 2023. Collection method: clinical testing. Allele origin: germline.
Comment: The p.N500D variant (also known as c.1498A>G), located in coding exon 9 of the BRCA1 gene, results from an A to G substitution at nucleotide position 1498. The asparagine at codon 500 is replaced by aspartic acid, an amino acid with highly similar properties. This amino acid position is not well conserved in available vertebrate species. In addition, the in silico prediction for this alteration is inconclusive. Based on the available evidence, the clinical significance of this variant remains unclear.

University of Washington Department of Laboratory Medicine, University of Washington
Classification: Likely benign for Hereditary cancer-predisposing syndrome. Last evaluated: 2023-03-23. Review status: criteria provided, single submitter. Criteria: Dines et al. (Genet Med. 2020). Collection method: curation. Allele origin: germline.
Comment: Missense variant in a coldspot region where missense variants are very unlikely to be pathogenic (PMID:31911673).

BRCA1 coldspot (exon 11 using historical exon numbering). Reclassification based on statistical prior probability

Women's Health and Genetics/Laboratory Corporation of America, LabCorp
Classification: Uncertain significance. Last evaluated: 2016-09-07. Review status: criteria provided, single submitter. Criteria: LabCorp Variant Classification Summary - May 2015. Collection method: clinical testing. Allele origin: germline.
Comment: Variant summary: The BRCA1 c.1498A>G (p.Asn500Asp) variant involves the alteration of a conserved nucleotide. 3/5 in silico tools predict a damaging outcome for this substitution. This variant is absent in 121212 control chromosomes and has not, to our knowledge, been reported in affected individuals via publications and/or reputable databases/clinical diagnostic laboratories; nor evaluated for functional impact by in vivo/vitro studies. Because of the absence of clinical information and the lack of functional studies, the variant is classified as a variant of uncertain significance (VUS) until additional information becomes available.

NM_007294.4(BRCA1):c.1498A>G (p.Asn500Asp)

Gene: BRCA1 (BRCA1 DNA repair associated; minus strand). Cytogenetic location: 17q21.31.
Variant type: single nucleotide variant.
Coding change: c.1498A>G on transcript NM_007294.4 (MANE Select); coding-DNA position 1498, A replaced by G.
Protein change: p.Asn500Asp; replaces asparagine 500 with aspartic acid.
Molecular consequence: missense variant. On other transcripts: intron variant (137).
Genome position (GRCh38, 1-based): chr17:43,094,033, T>C on the plus strand (A>G on the coding strand, the complement: BRCA1 is on the minus strand). VCF-style: chr17-43094033-T-C. GRCh37 (hg19) VCF-style: chr17-41246050-T-C.
Other names: c.1285A>G, p.Asn429Asp (NM_001407571.1, NM_001407853.1, NM_001407894.1 and 9 more transcripts); c.1498A>G, p.Asn500Asp (NM_001407581.1, NM_001407582.1, NM_001407583.1 and 30 more transcripts); c.1495A>G, p.Asn499Asp (NM_001407587.1, NM_001407590.1, NM_001407591.1 and 22 more transcripts); c.1489A>G, p.Asn497Asp (NM_001407646.1, NM_001407647.1); c.1375A>G, p.Asn459Asp (NM_001407648.1, NM_001407664.1, NM_001407665.1 and 19 more transcripts); c.1372A>G, p.Asn458Asp (NM_001407649.1, NM_001407670.1, NM_001407671.1 and 11 more transcripts); c.1420A>G, p.Asn474Asp (NM_001407653.1, NM_001407654.1, NM_001407655.1 and 4 more transcripts); c.1417A>G, p.Asn473Asp (NM_001407659.1, NM_001407660.1, NM_001407661.1 and 1 more transcripts); and 40 more; short protein forms N500D, N453D, N373D, N412D, N433D, N473D, N204D, N389D.
Identifiers: ClinVar variation 496348 (VCV000496348.5), dbSNP rs1555591681, ClinGen allele CA10599052.